The following is an entry in ClinVar:

NM_001393769.1(MED12L):c.3541C>G (p.Gln1181Glu)

Genes: MED12L (mediator complex subunit 12L; plus strand), P2RY12 (purinergic receptor P2Y12; minus strand). Cytogenetic location: 3q25.1.
Variant type: single nucleotide variant.
Coding change: c.3541C>G on transcript NM_001393769.1 (MANE Select); coding-DNA position 3541, C replaced by G.
Protein change: p.Gln1181Glu; replaces glutamine 1181 with glutamic acid.
Molecular consequence: missense variant. On other transcripts: intron variant (1).
Genome position (GRCh38, 1-based): chr3:151,368,242, C>G. VCF-style: chr3-151368242-C-G. GRCh37 (hg19) VCF-style: chr3-151086030-C-G.
Other names: c.3436C>G, p.Gln1146Glu (NM_053002.6); c.-180+16450G>C (NM_022788.5); short protein forms Q1146E, Q1181E.
Identifiers: ClinVar variation 1806201 (VCV001806201.2), dbSNP rs1755530189, ClinGen allele CA354971191.
Genomic context (GRCh38, chr3:151,368,242, plus strand): 5'-AGAATGACATGCCGACTCTTGCTTCATCTCTTCCGAGCTCCCCAGGCCTGCTTCTTACCT[C>G]AAGCAACGGGTGAGCTGACTGCAGAAAAATCTGATTACCTTTTCATTGGTAGCTAAAGTT-3'
Protein context (NP_001380698.1, residues 1171-1191): FRAPQACFLP[Gln1181Glu]ATGKPFPGIR

ClinVar aggregate classification (germline): Uncertain significance. Review status: criteria provided, multiple submitters, no conflicts (2 of 4 stars). 2 submissions from 2 submitters: Uncertain significance (2). Last evaluated 2023-04-07.

Conditions:
Nizon-Isidor syndrome. Identifiers: MedGen C5394350, MONDO:0030030, OMIM 618872.

Allele frequency attached by ClinVar (database versions not stated): TOPMed below 0.00001; gnomAD 0.00001; gnomAD exomes 0.00001.
gnomAD v4.1: 9 of 1,613,574 alleles (0.00056%); highest among the groups gnomAD compares: Non-Finnish European, 0.00076%; no homozygotes.

Submissions (2):

GeneDx
Classification: Uncertain significance. Last evaluated: 2023-04-07. Review status: criteria provided, single submitter. Criteria: GeneDx Variant Classification Process June 2021. Collection method: clinical testing. Allele origin: germline. Affected: yes.
Comment: Not observed at significant frequency in large population cohorts (gnomAD); In silico analysis supports that this missense variant does not alter protein structure/function; Has not been previously published as pathogenic or benign to our knowledge

Victorian Clinical Genetics Services, Murdoch Childrens Research Institute
Classification: Uncertain significance for Nizon-Isidor syndrome. Last evaluated: 2021-05-06. Review status: criteria provided, single submitter. Criteria: ACMG Guidelines, 2015. Collection method: clinical testing. Allele origin: germline. Inheritance: Autosomal dominant inheritance. Affected: yes.
Comment: Based on the classification scheme VCGS_Germline_v1.3.4, this variant is classified as VUS-3B. Following criteria are met: 0105 - The mechanism of disease for this gene is not clearly established. However, loss of function has been suggested (PMID: 31155615). (I) 0107 - This gene is associated with autosomal dominant disease. (I) 0200 - Variant is predicted to result in a missense amino acid change from glutamine to glutamic acid. (I) 0251 - This variant is heterozygous. (I) 0302 - Variant is present in gnomAD (v3) <0.001 for a dominant condition (1 heterozygote, 0 homozygotes). (SP) 0503 - Missense variant consistently predicted to be tolerated by multiple in silico tools or not conserved in a placental mammal with a minor amino acid change. (SB) 0604 - Variant is not located in an established domain, motif, hotspot or informative constraint region. (I) 0705 - No comparable missense variants have previous evidence for pathogenicity. (I) 0807 - This variant has no previous evidence of pathogenicity. (I) 0905 - No published segregation evidence has been identified for this variant. (I) 1007 - No published functional evidence has been identified for this variant. (I) 1208 - Inheritance information for this variant is not currently available in this individual. (I) Legend: (SP) - Supporting pathogenic, (I) - Information, (SB) - Supporting benign

Literature cited by the submitters: PubMed 31155615 (cited by Victorian Clinical Genetics Services, Murdoch Childrens Research Institute).